The following is an entry in ClinVar:

ClinVar aggregate classification (germline): Uncertain significance (1 of 4 stars; one submission).

Conditions:
Wilms tumor 1 (WT1). Also called: Wilms tumor, somatic. Identifiers: Orphanet 654, MedGen CN033288, MONDO:0008679, OMIM 194070.

Submission:

Labcorp Genetics (formerly Invitae), Labcorp
Classification: Uncertain significance for Wilms tumor 1. Last evaluated: 2018-09-17. Review status: criteria provided, single submitter. Criteria: Invitae Variant Classification Sherloc (09022015). Collection method: clinical testing. Allele origin: germline.
Comment: This sequence change replaces phenylalanine with leucine at codon 42 of the GPC3 protein (p.Phe42Leu). The phenylalanine residue is weakly conserved and there is a small physicochemical difference between phenylalanine and leucine. This variant is not present in population databases (ExAC no frequency). This variant has not been reported in the literature in individuals with GPC3-related disease. Algorithms developed to predict the effect of missense changes on protein structure and function are either unavailable or do not agree on the potential impact of this missense change (SIFT: "Tolerated"; PolyPhen-2: "Probably Damaging"; Align-GVGD: "Class C0"). In summary, the available evidence is currently insufficient to determine the role of this variant in disease. Therefore, it has been classified as a Variant of Uncertain Significance.

NM_004484.4(GPC3):c.126C>A (p.Phe42Leu)

Gene: GPC3 (glypican 3; minus strand). Cytogenetic location: Xq26.2.
Variant type: single nucleotide variant.
Coding change: c.126C>A on transcript NM_004484.4 (MANE Select); coding-DNA position 126, C replaced by A.
Protein change: p.Phe42Leu; replaces phenylalanine 42 with leucine.
Molecular consequence: missense variant.
Genome position (GRCh38, 1-based): chrX:133,985,324, G>T on the plus strand (C>A on the coding strand, the complement: GPC3 is on the minus strand). VCF-style: chrX-133985324-G-T. GRCh37 (hg19) VCF-style: chrX-133119351-G-T.
Other names: c.126C>A, p.Phe42Leu (NM_001164617.2, NM_001164618.2, NM_001164619.2); short protein forms F42L.
Identifiers: ClinVar variation 658257 (VCV000658257.9), dbSNP rs1345541727, ClinGen allele CA414706980.